The following is an entry in ClinVar:

ClinVar aggregate classification (germline): Conflicting classifications of pathogenicity. Review status: criteria provided, conflicting classifications (1 of 4 stars). 2 submissions from 2 submitters: Uncertain significance (1); Likely benign (1). Last evaluated 2025-02-01.

Allele frequency attached by ClinVar (database versions not stated): gnomAD exomes 0.00009; gnomAD 0.00015; TOPMed 0.00022; ExAC 0.00032; 1000 Genomes Project 0.00140; 1000 Genomes Project 30x 0.00141.
gnomAD v4.1: 161 of 1,546,842 alleles (0.01%); highest among the groups gnomAD compares: East Asian, 0.23%; no homozygotes.

Submissions (2):

CeGaT Center for Human Genetics Tuebingen
Classification: Uncertain significance. Last evaluated: 2025-02-01. Review status: criteria provided, single submitter. Criteria: CeGaT Center For Human Genetics Tuebingen Variant Classification Criteria Version 2. Collection method: clinical testing. Allele origin: germline. Affected: yes. Observed: 1 variant allele.
Comment: CPAMD8: PM2:Supporting, BP4

Labcorp Genetics (formerly Invitae), Labcorp
Classification: Likely benign. Last evaluated: 2023-07-26. Review status: criteria provided, single submitter. Criteria: Invitae Variant Classification Sherloc (09022015). Collection method: clinical testing. Allele origin: germline.

NM_015692.5(CPAMD8):c.959C>T (p.Ala320Val)

Gene: CPAMD8 (C3 and PZP like alpha-2-macroglobulin domain containing 8; minus strand). Cytogenetic location: 19p13.11.
Variant type: single nucleotide variant.
Coding change: c.959C>T on transcript NM_015692.5 (MANE Select); coding-DNA position 959, C replaced by T.
Protein change: p.Ala320Val; replaces alanine 320 with valine.
Molecular consequence: missense variant. On other transcripts: non-coding transcript variant (1).
Genome position (GRCh38, 1-based): chr19:16,997,247, G>A on the plus strand (C>T on the coding strand, the complement: CPAMD8 is on the minus strand). VCF-style: chr19-16997247-G-A. GRCh37 (hg19) VCF-style: chr19-17108057-G-A.
Other names: short protein forms A320V.
Identifiers: ClinVar variation 2919818 (VCV002919818.16), dbSNP rs185510059, ClinGen allele CA9285877.
Genomic context (GRCh38, chr19:16,997,247, plus strand): 5'-TGCACGGGGGTGGAGTCATCGAACGCGACCTGCTGGCTCCCGTCCACACTGGTCACCATG[G>A]CCCAGATGCTGACCCTGCCCCGGAAGTGCTCAGGGACGTCCGCTGGGATCATGTCCCTCA-3'
Protein context (NP_056507.3, residues 310-330): EHFRGRVSIW[Ala320Val]MVTSVDGSQQ